The following is an entry in ClinVar:

ClinVar aggregate classification (germline): Uncertain significance (1 of 4 stars; one submission).

Allele frequency attached by ClinVar (database versions not stated): gnomAD 0.00002; ExAC 0.00003; gnomAD exomes 0.00003 and 0.00004.
gnomAD v4.1: 52 of 1,573,990 alleles (0.0033%); highest among the groups gnomAD compares: Non-Finnish European, 0.0035%; no homozygotes.

Submission:

Labcorp Genetics (formerly Invitae), Labcorp
Classification: Uncertain significance. Last evaluated: 2024-11-11. Review status: criteria provided, single submitter. Criteria: Invitae Variant Classification Sherloc (09022015). Collection method: clinical testing. Allele origin: germline.
Comment: This sequence change replaces leucine, which is neutral and non-polar, with valine, which is neutral and non-polar, at codon 38 of the MYO5B protein (p.Leu38Val). This variant is present in population databases (rs778701332, gnomAD 0.008%). This variant has not been reported in the literature in individuals affected with MYO5B-related conditions. ClinVar contains an entry for this variant (Variation ID: 1428601). Invitae Evidence Modeling of protein sequence and biophysical properties (such as structural, functional, and spatial information, amino acid conservation, physicochemical variation, residue mobility, and thermodynamic stability) indicates that this missense variant is not expected to disrupt MYO5B protein function with a negative predictive value of 80%. In summary, the available evidence is currently insufficient to determine the role of this variant in disease. Therefore, it has been classified as a Variant of Uncertain Significance.

NM_001080467.3(MYO5B):c.112C>G (p.Leu38Val)

Gene: MYO5B (myosin VB; minus strand). Cytogenetic location: 18q21.1.
Variant type: single nucleotide variant.
Coding change: c.112C>G on transcript NM_001080467.3 (MANE Select); coding-DNA position 112, C replaced by G.
Protein change: p.Leu38Val; replaces leucine 38 with valine.
Molecular consequence: missense variant.
Genome position (GRCh38, 1-based): chr18:50,055,294, G>C on the plus strand (C>G on the coding strand, the complement: MYO5B is on the minus strand). VCF-style: chr18-50055294-G-C. GRCh37 (hg19) VCF-style: chr18-47581664-G-C.
Other names: short protein forms L38V.
Identifiers: ClinVar variation 1428601 (VCV001428601.7), dbSNP rs778701332, ClinGen allele CA8962020.